The following is an entry in ClinVar:

NM_032444.4(SLX4):c.1880C>T (p.Pro627Leu)

Gene: SLX4 (SLX4 structure-specific endonuclease subunit; minus strand). Cytogenetic location: 16p13.3.
Variant type: single nucleotide variant.
Coding change: c.1880C>T on transcript NM_032444.4 (MANE Select); coding-DNA position 1880, C replaced by T.
Protein change: p.Pro627Leu; replaces proline 627 with leucine.
Molecular consequence: missense variant.
Genome position (GRCh38, 1-based): chr16:3,596,197, G>A on the plus strand (C>T on the coding strand, the complement: SLX4 is on the minus strand). VCF-style: chr16-3596197-G-A. GRCh37 (hg19) VCF-style: chr16-3646198-G-A.
Other names: short protein forms P627L.
Identifiers: ClinVar variation 1484093 (VCV001484093.10), dbSNP rs774683778, ClinGen allele CA7866392.
Genomic context (GRCh38, chr16:3,596,197, plus strand): 5'-CCACCCAGCATCTCACCTGCAGTCCCTTCCGAGCCAGCCAGGCCCCCACTGCCGGGCCAC[G>A]GGCTGGCGCTCAGTCCCTCCCTCGCCAGGTCCACGAGGTCCTGCAGGGCCTGGTGCTCCC-3'
Protein context (NP_115820.2, residues 617-637): DLAREGLSAS[Pro627Leu]WPGSGGLAGS

ClinVar aggregate classification (germline): Uncertain significance. Review status: criteria provided, multiple submitters, no conflicts (2 of 4 stars). 3 submissions from 3 submitters: Uncertain significance (3). Last evaluated 2024-09-06.

Conditions:
Fanconi anemia complementation group P. Also called: SLX4-Related Fanconi Anemia. Identifiers: Orphanet 84, MedGen C3469542, MONDO:0013499, OMIM 613951.
Fanconi anemia (FA). Also called: Fanconi's anemia. Identifiers: Orphanet 84, MedGen C0015625, MeSH D005199, MONDO:0019391.

Allele frequency attached by ClinVar (database versions not stated): gnomAD exomes 0.00001; TOPMed 0.00001; ExAC 0.00013.
gnomAD v4.1: 13 of 1,550,646 alleles (0.00084%); highest among the groups gnomAD compares: Admixed American, 0.0019%; no homozygotes.

Submissions (3):

Blueprint Genetics
Classification: Uncertain significance. Last evaluated: 2024-09-06. Review status: criteria provided, single submitter. Criteria: ACMG Guidelines, 2015. Collection method: clinical testing. Allele origin: germline.

Fulgent Genetics
Classification: Uncertain significance for Fanconi anemia complementation group P. Last evaluated: 2024-05-23. Review status: criteria provided, single submitter. Criteria: ACMG Guidelines, 2015. Collection method: clinical testing. Allele origin: germline.

Labcorp Genetics (formerly Invitae), Labcorp
Classification: Uncertain significance for Fanconi anemia. Last evaluated: 2022-07-13. Review status: criteria provided, single submitter. Criteria: Invitae Variant Classification Sherloc (09022015). Collection method: clinical testing. Allele origin: germline.
Comment: In summary, the available evidence is currently insufficient to determine the role of this variant in disease. Therefore, it has been classified as a Variant of Uncertain Significance. Algorithms developed to predict the effect of missense changes on protein structure and function (SIFT, PolyPhen-2, Align-GVGD) all suggest that this variant is likely to be tolerated. ClinVar contains an entry for this variant (Variation ID: 1484093). This variant has not been reported in the literature in individuals affected with SLX4-related conditions. The frequency data for this variant in the population databases is considered unreliable, as metrics indicate poor data quality at this position in the gnomAD database. This sequence change replaces proline, which is neutral and non-polar, with leucine, which is neutral and non-polar, at codon 627 of the SLX4 protein (p.Pro627Leu).